The following is an entry in ClinVar:

NM_000038.6(APC):c.1197_1198del (p.Gly400fs)

Gene: APC (APC regulator of Wnt signaling pathway; plus strand). Cytogenetic location: 5q22.2.
Variant type: Microsatellite.
Coding change: c.1197_1198del on transcript NM_000038.6 (MANE Select); coding-DNA positions 1197 to 1198, 2 bases deleted (AG; older notation c.1197_1198delAG).
Protein change: p.Gly400fs; shifts the reading frame from glycine 400.
Molecular consequence: frameshift variant. On other transcripts: non-coding transcript variant (2), intron variant (15).
Genome position (GRCh38, 1-based): chr5:112,819,229-112,819,230, AG deleted; deleting any 2 consecutive bases within chr5:112,819,225-112,819,230 gives the same sequence; the c. name uses the placement nearest the transcript's 3' end. VCF-style (leftmost placement, unchanged base first): chr5-112819224-AAG-A. GRCh37 (hg19) VCF-style: chr5-112154921-AAG-A.
Other names: c.1197_1198delAG (NM_000038.5); c.1197_1198del, p.Gly400fs (NM_001127510.3, NM_001354895.2, NM_001354896.2 and 4 more transcripts); c.1143_1144del, p.Gly382fs (NM_001127511.3); c.1227_1228del, p.Gly410fs (NM_001354897.2, NM_001407446.1); c.1122_1123del, p.Gly375fs (NM_001354898.2, NM_001407451.1); c.1113_1114del, p.Gly372fs (NM_001354899.2, NM_001407452.1); c.1020_1021del, p.Gly341fs (NM_001354900.2, NM_001354901.2, NM_001407453.1); c.348_349del, p.Gly117fs (NM_001354906.2, NM_001407470.1); and 6 more; short protein forms G117fs, G341fs, G372fs, G375fs, G382fs, G400fs, G410fs.
Identifiers: ClinVar variation 2583898 (VCV002583898.3), dbSNP rs2533052061, ClinGen allele CA2582341258.
Genomic context (GRCh38, chr5:112,819,224, plus strand): 5'-GAGGCTCGGGCCAGGGCCAGTGCAGCACTCCACAACATCATTCACTCACAGCCTGATGAC[AAG>A]AGAGGCAGGCGTGAAATCCGAGTCCTTCATCTTTTGGAACAGATACGCGCTTACTGTGAA-3'

ClinVar aggregate classification (germline): Pathogenic. Review status: criteria provided, multiple submitters, no conflicts (2 of 4 stars). 2 submissions from 2 submitters: Pathogenic (2). Last evaluated 2026-02-23.

Conditions:
Hereditary cancer-predisposing syndrome. Also called: Neoplastic Syndromes, Hereditary; Tumor predisposition; Hereditary Cancer Syndrome; Hereditary neoplastic syndrome. Identifiers: Orphanet 140162, MedGen C0027672, MeSH D009386, MONDO:0015356.
Familial adenomatous polyposis 1 (FAP1). Also called: FAMILIAL ADENOMATOUS POLYPOSIS 1, ATTENUATED; POLYPOSIS, ADENOMATOUS INTESTINAL. Identifiers: MedGen C2713442, MONDO:0021056, OMIM 175100. Disease mechanism: loss of function.

Submissions (2):

Ambry Genetics
Classification: Pathogenic for Hereditary cancer-predisposing syndrome. Last evaluated: 2026-02-23. Review status: criteria provided, single submitter. Criteria: Ambry Variant Classification Scheme 2023. Collection method: clinical testing. Allele origin: germline.
Comment: The c.1197_1198delAG pathogenic mutation, located in coding exon 9 of the APC gene, results from a deletion of two nucleotides at nucleotide positions 1197 to 1198, causing a translational frameshift with a predicted alternate stop codon (p.G400Qfs*3). This variant is considered to be rare based on population cohorts in the Genome Aggregation Database (gnomAD). This variant was reported in individual(s) with features consistent with APC-related familial adenomatous polyposis (Ambry internal data). This alteration is expected to result in loss of function by premature protein truncation or nonsense-mediated mRNA decay. As such, this alteration is interpreted as a disease-causing mutation.

Myriad Genetics, Inc.
Classification: Pathogenic for Familial adenomatous polyposis 1. Last evaluated: 2023-04-28. Review status: criteria provided, single submitter. Criteria: Myriad Autosomal Dominant, Autosomal Recessive and X-Linked Classification Criteria (2023). Collection method: clinical testing. Allele origin: unknown.
Comment: This variant is considered pathogenic. This variant creates a frameshift predicted to result in premature protein truncation.